The following is an entry in ClinVar:

NM_000548.5(TSC2):c.5392T>A (p.Ser1798Thr)

Gene: TSC2 (TSC complex subunit 2; plus strand). Cytogenetic location: 16p13.3.
Variant type: single nucleotide variant.
Coding change: c.5392T>A on transcript NM_000548.5 (MANE Select); coding-DNA position 5392, T replaced by A.
Protein change: p.Ser1798Thr; replaces serine 1798 with threonine.
Molecular consequence: missense variant.
Genome position (GRCh38, 1-based): chr16:2,088,578, T>A. VCF-style: chr16-2088578-T-A. GRCh37 (hg19) VCF-style: chr16-2138579-T-A.
Other names: c.5173T>A, p.Ser1725Thr (NM_001406676.1); c.5176T>A, p.Ser1726Thr (NM_001406675.1); c.5134T>A, p.Ser1712Thr (NM_001406677.1); c.5080T>A, p.Ser1694Thr (NM_001406678.1); c.5044T>A, p.Ser1682Thr (NM_001406679.1); c.5179T>A, p.Ser1727Thr (NM_001406673.1); c.4792T>A, p.Ser1598Thr (NM_001406680.1); c.4732T>A, p.Ser1578Thr (NM_001406681.1); and 27 more; short protein forms S1284T, S1306T, S1694T, S1731T, S1761T, S1772T, S1774T, S1775T.
Identifiers: ClinVar variation 1747236 (VCV001747236.3), dbSNP rs2091216026, ClinGen allele CA394316084.

ClinVar aggregate classification (germline): Uncertain significance. Review status: criteria provided, multiple submitters, no conflicts (2 of 4 stars). 2 submissions from 2 submitters: Uncertain significance (2). Last evaluated 2024-02-28.

Conditions:
Hereditary cancer-predisposing syndrome. Also called: Hereditary Cancer Syndrome; Neoplastic Syndromes, Hereditary; Tumor predisposition; Hereditary neoplastic syndrome. Identifiers: Orphanet 140162, MedGen C0027672, MeSH D009386, MONDO:0015356.

Submissions (2):

GeneDx
Classification: Uncertain significance. Last evaluated: 2024-02-28. Review status: criteria provided, single submitter. Criteria: GeneDx Variant Classification Process June 2021. Collection method: clinical testing. Allele origin: germline. Affected: yes.
Comment: Not observed at significant frequency in large population cohorts (gnomAD); In silico analysis indicates that this missense variant does not alter protein structure/function; Has not been previously published as pathogenic or benign to our knowledge

Ambry Genetics
Classification: Uncertain significance for Hereditary cancer-predisposing syndrome. Last evaluated: 2020-01-04. Review status: criteria provided, single submitter. Criteria: Ambry Variant Classification Scheme 2023. Collection method: clinical testing. Allele origin: germline.
Comment: The p.S1798T variant (also known as c.5392T>A), located in coding exon 41 of the TSC2 gene, results from a T to A substitution at nucleotide position 5392. The serine at codon 1798 is replaced by threonine, an amino acid with similar properties. This amino acid position is highly conserved in available vertebrate species. In addition, this alteration is predicted to be deleterious by in silico analysis. Since supporting evidence is limited at this time, the clinical significance of this alteration remains unclear.